The following is an entry in ClinVar:

NM_001165963.4(SCN1A):c.2589+172T>C

Gene: SCN1A (sodium voltage-gated channel alpha subunit 1; minus strand). Cytogenetic location: 2q24.3.
Variant type: single nucleotide variant.
Coding change: c.2589+172T>C on transcript NM_001165963.4 (MANE Select); 172 bases into the intron after coding-DNA position 2589, T replaced by C.
Molecular consequence: intron variant.
Genome position (GRCh38, 1-based): chr2:166,039,251, A>G on the plus strand (T>C on the coding strand, the complement: SCN1A is on the minus strand). VCF-style: chr2-166039251-A-G. GRCh37 (hg19) VCF-style: chr2-166895761-A-G.
Other names: c.147+172T>C (NM_001353961.2); c.2556+172T>C (NM_006920.6, NM_001353949.2, NM_001353950.2 and 2 more transcripts); c.2505+172T>C (NM_001353958.2, NM_001353957.2, NM_001165964.3); c.2589+172T>C (NM_001202435.3, NM_001353948.2); c.2553+172T>C (NM_001353955.2, NM_001353954.2); c.2502+172T>C (NM_001353960.2).
Identifiers: ClinVar variation 669302 (VCV000669302.1), dbSNP rs1019723, ClinGen allele CA11036205.
Genomic context (GRCh38, chr2:166,039,251, plus strand): 5'-ATAGCAACTGAGTAATACGTTAACTTTTACGTAACTATGTTCTTTGAAATAAAGGTTTTC[A>G]TAAATAATTGAGAATTTTTTTCCATGTAGGAAAAGTTTTTGACAATGCAAATGTTACAGA-3'

ClinVar aggregate classification (germline): Benign (1 of 4 stars; one submission).

Allele frequency attached by ClinVar (database versions not stated): gnomAD 0.48372 and 0.48517; TOPMed 0.49771; 1000 Genomes Project 0.57927; 1000 Genomes Project 30x 0.58354.
gnomAD v4.1: 73,176 of 152,070 alleles (48%); highest among the groups gnomAD compares: African/African-American, 72%; 19,854 homozygotes.

Submission:

GeneDx
Classification: Benign. Last evaluated: 2018-06-14. Review status: criteria provided, single submitter. Criteria: GeneDx Variant Classification (06012015). Collection method: clinical testing. Allele origin: germline. Affected: yes.
Comment: This variant is considered likely benign or benign based on one or more of the following criteria: it is a conservative change, it occurs at a poorly conserved position in the protein, it is predicted to be benign by multiple in silico algorithms, and/or has population frequency not consistent with disease.